The following is an entry in ClinVar:

ClinVar aggregate classification (germline): Uncertain significance. Review status: criteria provided, multiple submitters, no conflicts (2 of 4 stars). 2 submissions from 2 submitters: Uncertain significance (2). Last evaluated 2021-10-13.

Conditions:
Cowden syndrome 6 (CWS6). Identifiers: Orphanet 201, MedGen C3554519, MONDO:0014048, OMIM 615109.

Allele frequency attached by ClinVar (database versions not stated): gnomAD 0.00001; gnomAD exomes 0.00001; TOPMed 0.00002; ExAC 0.00003; 1000 Genomes Project 30x 0.00016; 1000 Genomes Project 0.00020.
gnomAD v4.1: 20 of 1,613,830 alleles (0.0012%); highest among the groups gnomAD compares: East Asian, 0.0022%; no homozygotes.

Submissions (2):

Labcorp Genetics (formerly Invitae), Labcorp
Classification: Uncertain significance for Cowden syndrome 6. Last evaluated: 2021-10-13. Review status: criteria provided, single submitter. Criteria: Invitae Variant Classification Sherloc (09022015). Collection method: clinical testing. Allele origin: germline.
Comment: Algorithms developed to predict the effect of missense changes on protein structure and function are either unavailable or do not agree on the potential impact of this missense change (SIFT: "Tolerated"; PolyPhen-2: "Possibly Damaging"; Align-GVGD: "Class C15"). This variant has not been reported in the literature in individuals affected with AKT1-related conditions. This variant is present in population databases (rs549083521, ExAC 0.01%). This sequence change replaces serine with leucine at codon 266 of the AKT1 protein (p.Ser266Leu). The serine residue is highly conserved and there is a large physicochemical difference between serine and leucine. In summary, the available evidence is currently insufficient to determine the role of this variant in disease. Therefore, it has been classified as a Variant of Uncertain Significance.

Neuberg Centre For Genomic Medicine, NCGM
Classification: Uncertain significance for Cowden syndrome 6. Review status: criteria provided, single submitter. Criteria: ACMG Guidelines, 2015. Collection method: clinical testing. Allele origin: germline. Inheritance: Autosomal dominant inheritance. Affected: yes.
Comment: The missense variant in c.797C>T(p.Ser266Leu) in AKT1 gene has not been reported previously as a pathogenic variant nor as a benign variant, to our knowledge. The p.Ser266Leu variant is reported with the allele frequency of 0.001421% in gnomAD and is novel (not in any individuals) in 1000 Genomes. This variant has been reported to the ClinVar as uncertain significance. The amino acid Ser at position 266 is changed to a Leu changing protein sequence and it might alter its composition and physico-chemical properties. The variant is predicted to be damaging by PolyPhen2 and the residue is conserved across species. The amino acid change p.Ser266Leu in AKT1 is predicted as conserved by GERP++ and PhyloP across 100 vertebrates. For these reasons, this variant has been classified as Uncertain Significance.

NM_001382430.1(AKT1):c.797C>T (p.Ser266Leu)

Gene: AKT1 (AKT serine/threonine kinase 1; minus strand). Cytogenetic location: 14q32.33.
Variant type: single nucleotide variant.
Coding change: c.797C>T on transcript NM_001382430.1 (MANE Select); coding-DNA position 797, C replaced by T.
Protein change: p.Ser266Leu; replaces serine 266 with leucine.
Molecular consequence: missense variant.
Genome position (GRCh38, 1-based): chr14:104,773,486, G>A on the plus strand (C>T on the coding strand, the complement: AKT1 is on the minus strand). VCF-style: chr14-104773486-G-A. GRCh37 (hg19) VCF-style: chr14-105239823-G-A.
Other names: c.797C>T, p.Ser266Leu (NM_001014431.2, NM_001014432.2, NM_001382431.1 and 3 more transcripts); short protein forms S266L.
Identifiers: ClinVar variation 651050 (VCV000651050.9), dbSNP rs549083521, ClinGen allele CA7374642.